The following is an entry in ClinVar:

NM_000368.5(TSC1):c.3059C>T (p.Thr1020Ile)

Gene: TSC1 (TSC complex subunit 1; minus strand). Cytogenetic location: 9q34.13.
Variant type: single nucleotide variant.
Coding change: c.3059C>T on transcript NM_000368.5 (MANE Select); coding-DNA position 3059, C replaced by T.
Protein change: p.Thr1020Ile; replaces threonine 1020 with isoleucine.
Molecular consequence: missense variant.
Genome position (GRCh38, 1-based): chr9:132,896,671, G>A on the plus strand (C>T on the coding strand, the complement: TSC1 is on the minus strand). VCF-style: chr9-132896671-G-A. GRCh37 (hg19) VCF-style: chr9-135772058-G-A.
Other names: c.3056C>T, p.Thr1019Ile (NM_001162426.2); c.2906C>T, p.Thr969Ile (NM_001162427.2); c.2696C>T, p.Thr899Ile (NM_001362177.2); short protein forms T1020I, T1019I, T969I, T899I.
Identifiers: ClinVar variation 411259 (VCV000411259.18), dbSNP rs1060503214, ClinGen allele CA16612441.
Genomic context (GRCh38, chr9:132,896,671, plus strand): 5'-CTGCTGCTGCCTCCACCACCTCTGCTTCCACTACTGCCCCGGGCGCTGCTGGGCCTGGGG[G>A]TCTTGGTCTCACCGTTGTGGCCAGATGCCTCTTCATTGTGCCCTACCATGGAATCTGAGC-3'
Protein context (NP_000359.1, residues 1010-1030): EASGHNGETK[Thr1020Ile]PRPSSARGSS

ClinVar aggregate classification (germline): Conflicting classifications of pathogenicity. Review status: criteria provided, conflicting classifications (1 of 4 stars). 4 submissions from 4 submitters: Uncertain significance (2); Benign (1); Likely benign (1). Last evaluated 2025-10-29.

Conditions:
Hereditary cancer-predisposing syndrome. Also called: Neoplastic Syndromes, Hereditary; Tumor predisposition; Hereditary Cancer Syndrome; Hereditary neoplastic syndrome. Identifiers: Orphanet 140162, MedGen C0027672, MeSH D009386, MONDO:0015356.
Tuberous sclerosis 1 (TSC1). Identifiers: Orphanet 805, MedGen C1854465, MONDO:0008612, OMIM 191100.

Allele frequency attached by ClinVar (database versions not stated): gnomAD exomes 0.00001.
gnomAD v4.1: 8 of 1,614,074 alleles (0.0005%); highest among the groups gnomAD compares: Non-Finnish European, 0.00068%; no homozygotes.

Submissions (4):

Labcorp Genetics (formerly Invitae), Labcorp
Classification: Benign for Tuberous sclerosis 1. Last evaluated: 2025-10-29. Review status: criteria provided, single submitter. Criteria: Invitae Variant Classification Sherloc (09022015). Collection method: clinical testing. Allele origin: germline.

Ambry Genetics
Classification: Uncertain significance for Hereditary cancer-predisposing syndrome. Last evaluated: 2024-03-24. Review status: criteria provided, single submitter. Criteria: Ambry Variant Classification Scheme 2023. Collection method: clinical testing. Allele origin: germline.
Comment: The p.T1020I variant (also known as c.3059C>T), located in coding exon 21 of the TSC1 gene, results from a C to T substitution at nucleotide position 3059. The threonine at codon 1020 is replaced by isoleucine, an amino acid with similar properties. This amino acid position is poorly conserved in available vertebrate species and isoleucine is the reference amino acid in other vertebrate species. In addition, this alteration is predicted to be tolerated by in silico analysis. Since supporting evidence is limited at this time, the clinical significance of this alteration remains unclear.

Blueprint Genetics
Classification: Likely benign. Last evaluated: 2023-08-03. Review status: criteria provided, single submitter. Criteria: ACMG Guidelines, 2015. Collection method: clinical testing. Allele origin: germline.

Genome-Nilou Lab
Classification: Uncertain significance for Tuberous sclerosis 1. Last evaluated: 2021-11-07. Review status: criteria provided, single submitter. Criteria: ACMG Guidelines, 2015. Collection method: clinical testing. Allele origin: germline. Affected: no.